The following is an entry in ClinVar:

ClinVar aggregate classification (germline): Conflicting classifications of pathogenicity. Review status: criteria provided, conflicting classifications (1 of 4 stars). 3 submissions from 3 submitters: Likely pathogenic (1); Uncertain significance (2). Last evaluated 2026-07-24.

Conditions:
Classic homocystinuria. Also called: Homocystinuria due to CBS deficiency; Cystathionine beta-synthase deficiency; CBS deficiency; HOMOCYSTINURIA WITH OR WITHOUT RESPONSE TO PYRIDOXINE; Homocystinuria due to Cystathionine Beta-Synthase Deficiency. Identifiers: Orphanet 394, MedGen C0751202, MONDO:0009352, OMIM 236200.

Submissions (3):

Myriad Genetics, Inc.
Classification: Uncertain significance for Classic homocystinuria. Last evaluated: 2026-07-24. Review status: criteria provided, single submitter. Criteria: Myriad Autosomal Dominant, Autosomal Recessive and X-Linked Classification Criteria (2023). Collection method: clinical testing. Allele origin: unknown.
Comment: NM_000071.2(CBS):c.572C>A(T191K) is a missense variant classified as a variant of uncertain significance in the context of homocystinuria, CBS-related. T191K has not been observed in cases with relevant disease. Relevant functional assessments of this variant are not available in the literature. T191K has not been observed in referenced population frequency databases. In summary, there is insufficient evidence to classify NM_000071.2(CBS):c.572C>A(T191K) as pathogenic or benign. Please note: this variant was assessed in the context of healthy population screening.

Women's Health and Genetics/Laboratory Corporation of America, LabCorp
Classification: Uncertain significance. Last evaluated: 2025-11-07. Review status: criteria provided, single submitter. Criteria: LabCorp Variant Classification Summary - May 2015. Collection method: clinical testing. Allele origin: germline.
Comment: Variant summary: CBS c.572C>A (p.Thr191Lys) results in a non-conservative amino acid change in the encoded protein sequence. Algorithms developed to predict the effect of missense changes on protein structure and function all suggest that this variant is likely to be disruptive. The variant was absent in 249042 control chromosomes. The available data on variant occurrences in the general population are insufficient to allow any conclusion about variant significance. To our knowledge, no occurrence of c.572C>A in individuals affected with CBS-related conditions and no experimental evidence demonstrating its impact on protein function have been reported. ClinVar contains an entry for this variant (Variation ID: 431934). Based on the evidence outlined above, the variant was classified as uncertain significance.

GeneDx
Classification: Likely pathogenic. Last evaluated: 2015-10-30. Review status: criteria provided, single submitter. Criteria: GeneDx Variant Classification (06012015). Collection method: clinical testing. Allele origin: germline. Affected: yes.
Comment: While the likely pathogenic T191K variant in the CBS gene has not been reported to our knowledge, a pathogenic variant affecting this same residue, T191M, has been reported in association with homocystinuria due to cystathionine beta-synthase (CBS) deficiency (Kraus et al., 1999). Additionally, variants in nearby residues (D198V, P200L) have been reported in the Human Gene Mutation Database in association with homocystinuria (Stenson et al., 2014), further supporting the functional importance of this residue and this region of the protein. T191K results in a semi-conservative amino acid substitution at a position that is conserved across species, and is located in the exposed periphery of the active core of the CBS protein. Consequently, in silico analysis predicts T191K is probably damaging to the protein structure/function. Furthermore, T191K was not observed in approximately 6,500 individuals of European and African American ancestry in the NHLBI Exome Sequencing Project, indicating it is not a common benign variant in these populations.Therefore, this variant is likely pathogenic

NM_000071.3(CBS):c.572C>A (p.Thr191Lys)

Gene: CBS (cystathionine beta-synthase; minus strand). Cytogenetic location: 21q22.3.
Variant type: single nucleotide variant.
Coding change: c.572C>A on transcript NM_000071.3 (MANE Select); coding-DNA position 572, C replaced by A.
Protein change: p.Thr191Lys; replaces threonine 191 with lysine.
Molecular consequence: missense variant.
Genome position (GRCh38, 1-based): chr21:43,065,481, G>T on the plus strand (C>A on the coding strand, the complement: CBS is on the minus strand). VCF-style: chr21-43065481-G-T. GRCh37 (hg19) VCF-style: chr21-44485591-G-T.
Other names: c.572C>A, p.Thr191Lys (NM_001178008.3, NM_001178009.3, NM_001320298.2); c.257C>A, p.Thr86Lys (NM_001321072.1); short protein forms T191K, T86K.
Identifiers: ClinVar variation 431934 (VCV000431934.4), dbSNP rs121964973, ClinGen allele CA410601079.